The following is an entry in ClinVar:

NM_001032386.2(SUOX):c.514A>G (p.Thr172Ala)

Gene: SUOX (sulfite oxidase; plus strand). Cytogenetic location: 12q13.2.
Variant type: single nucleotide variant.
Coding change: c.514A>G on transcript NM_001032386.2 (MANE Select); coding-DNA position 514, A replaced by G.
Protein change: p.Thr172Ala; replaces threonine 172 with alanine.
Molecular consequence: missense variant.
Genome position (GRCh38, 1-based): chr12:56,003,903, A>G. VCF-style: chr12-56003903-A-G. GRCh37 (hg19) VCF-style: chr12-56397687-A-G.
Other names: c.514A>G, p.Thr172Ala (NM_000456.3, NM_001032387.2); short protein forms T172A.
Identifiers: ClinVar variation 1058415 (VCV001058415.7), dbSNP rs111947844, ClinGen allele CA6620995.
Genomic context (GRCh38, chr12:56,003,903, plus strand): 5'-CTGGCTCAGTACAAGATTGGGGAGCTGAATCCTGAAGACAAGGTAGCCCCCACCGTGGAG[A>G]CCTCTGACCCTTATGCTGATGATCCTGTACGTCACCCAGCCCTGAAGGTCAACAGCCAGC-3'
Protein context (NP_001027558.1, residues 162-182): PEDKVAPTVE[Thr172Ala]SDPYADDPVR

ClinVar aggregate classification (germline): Uncertain significance (1 of 4 stars; one submission).

Conditions:
Sulfite oxidase deficiency. Also called: Isolated sulfite oxidase deficiency. Identifiers: Orphanet 833, Orphanet 99731, MedGen C0268624, MONDO:0010089, OMIM 272300, HP:0003643.

Allele frequency attached by ClinVar (database versions not stated): gnomAD exomes 0.00001 and 0.00002; ExAC 0.00002; gnomAD 0.00006 and 0.00011; TOPMed 0.00011; 1000 Genomes Project 30x 0.00031; 1000 Genomes Project 0.00040.
gnomAD v4.1: 41 of 1,613,796 alleles (0.0025%); highest among the groups gnomAD compares: African/African-American, 0.045%; 1 homozygote.

Submission:

Labcorp Genetics (formerly Invitae), Labcorp
Classification: Uncertain significance for Sulfite oxidase deficiency. Last evaluated: 2022-09-01. Review status: criteria provided, single submitter. Criteria: Invitae Variant Classification Sherloc (09022015). Collection method: clinical testing. Allele origin: germline.
Comment: This sequence change replaces threonine, which is neutral and polar, with alanine, which is neutral and non-polar, at codon 172 of the SUOX protein (p.Thr172Ala). This variant is present in population databases (rs111947844, gnomAD 0.03%). This variant has not been reported in the literature in individuals affected with SUOX-related conditions. ClinVar contains an entry for this variant (Variation ID: 1058415). Algorithms developed to predict the effect of missense changes on protein structure and function output the following: SIFT: "Tolerated"; PolyPhen-2: "Benign"; Align-GVGD: "Class C0". The alanine amino acid residue is found in multiple mammalian species, which suggests that this missense change does not adversely affect protein function. In summary, the available evidence is currently insufficient to determine the role of this variant in disease. Therefore, it has been classified as a Variant of Uncertain Significance.